The following is an entry in ClinVar:

NM_194248.3(OTOF):c.2905_2923delinsCTCCGAGCGCA (p.Ala969fs)

Gene: OTOF (otoferlin; minus strand). Cytogenetic location: 2p23.3.
Variant type: Indel.
Coding change: c.2905_2923delinsCTCCGAGCGCA on transcript NM_194248.3 (MANE Select); coding-DNA positions 2905 to 2923, GCCCGCAGCCTCTTTGCCG replaced by CTCCGAGCGCA.
Protein change: p.Ala969fs; shifts the reading frame from alanine 969.
Molecular consequence: frameshift variant.
Genome position (GRCh38, 1-based): chr2:26,475,982-26,476,000, CGGCAAAGAGGCTGCGGGC replaced by TGCGCTCGGAG on the plus strand (GCCCGCAGCCTCTTTGCCG replaced by CTCCGAGCGCA on the coding strand, the reverse complement: OTOF is on the minus strand). VCF-style: chr2-26475982-CGGCAAAGAGGCTGCGGGC-TGCGCTCGGAG. GRCh37 (hg19) VCF-style: chr2-26698850-CGGCAAAGAGGCTGCGGGC-TGCGCTCGGAG.
Other names: c.2905_2923delinsCTCCGAGCGCA, p.Ala969fs (NM_001287489.2); c.664_682delinsCTCCGAGCGCA, p.Ala222fs (NM_004802.4, NM_194323.3); c.835_853delinsCTCCGAGCGCA, p.Ala279fs (NM_194322.3); short protein forms A222fs, A279fs, A969fs.
Identifiers: ClinVar variation 65794 (VCV000065794.5), dbSNP rs397515596, ClinGen allele CA345111.

ClinVar aggregate classification (germline): Likely pathogenic. Review status: criteria provided, single submitter (1 of 4 stars). 2 submissions from 2 submitters: Likely pathogenic (1). 1 of the submissions does not count toward it.

Conditions:
Autosomal recessive nonsyndromic hearing loss 9. Also called: AUDITORY NEUROPATHY, AUTOSOMAL RECESSIVE, 1, TEMPERATURE-SENSITIVE; Deafness, autosomal recessive 9; NEUROSENSORY NONSYNDROMIC RECESSIVE DEAFNESS 9; OTOF-Related Hearing Loss. Identifiers: Orphanet 90636, MedGen C1832828, MONDO:0010986, OMIM 601071.
Bilateral sensorineural hearing impairment. Also called: Bilateral sensorineural hearing loss. Identifiers: MedGen C0452138, HP:0008619.

Submissions (2):

Laboratory of Human Genetics, Institute of Biosciences - University of Sao Paulo
Classification: Likely pathogenic for Bilateral sensorineural hearing impairment. Review status: criteria provided, single submitter. Criteria: ClinGen HL ACMG Specifications v1. Collection method: research. Allele origin: germline. Affected: yes. Observed: 1 heterozygote.
Comment: Thus its clinical significance is unknown

GeneReviews
No classification provided. Condition: Autosomal recessive nonsyndromic hearing loss 9. Review status: no classification provided. Collection method: literature only. Allele origin: unknown. Not counted in ClinVar's aggregate classification.

Literature cited by the submitters: PubMed 34652575 (cited by Laboratory of Human Genetics, Institute of Biosciences - University of Sao Paulo); PubMed 19461658 (cited by Laboratory of Human Genetics, Institute of Biosciences - University of Sao Paulo); PubMed 18381613 (cited by GeneReviews); PubMed 20301429 (cited by GeneReviews); NCBI Bookshelf NBK1251 (cited by GeneReviews).